The following is an entry in ClinVar:

NM_000051.4(ATM):c.1152C>A (p.Cys384Ter)

Gene: ATM (ATM serine/threonine kinase; plus strand). Cytogenetic location: 11q22.3.
Variant type: single nucleotide variant.
Coding change: c.1152C>A on transcript NM_000051.4 (MANE Select); coding-DNA position 1152, C replaced by A.
Protein change: p.Cys384Ter; replaces cysteine 384 with a stop codon.
Molecular consequence: nonsense.
Genome position (GRCh38, 1-based): chr11:108,249,019, C>A. VCF-style: chr11-108249019-C-A. GRCh37 (hg19) VCF-style: chr11-108119746-C-A.
Other names: c.1152C>A, p.Cys384Ter (NM_001351834.2); short protein forms C384*.
Identifiers: ClinVar variation 3148185 (VCV003148185.1), dbSNP rs777755997, ClinGen allele CA382532491.

ClinVar aggregate classification (germline): Pathogenic (1 of 4 stars; one submission).

Conditions:
Familial cancer of breast. Also called: BREAST CANCER, FAMILIAL; Hereditary breast cancer; hereditary breast carcinoma. Identifiers: Orphanet 227535, MedGen C0346153, MONDO:0016419, OMIM 114480. Disease mechanism: loss of function.

Submission:

Myriad Genetics, Inc.
Classification: Pathogenic for Familial cancer of breast. Last evaluated: 2024-02-21. Review status: criteria provided, single submitter. Criteria: Myriad Autosomal Dominant, Autosomal Recessive and X-Linked Classification Criteria (2023). Collection method: clinical testing. Allele origin: unknown.
Comment: This variant is considered pathogenic. This variant creates a termination codon and is predicted to result in premature protein truncation.